The following is an entry in ClinVar:

ClinVar aggregate classification (germline): Pathogenic (0 of 4 stars; one submission).

Conditions:
Fanconi anemia complementation group A (FANCA). Also called: Fanconi anemia, group A; FANCA-Related Fanconi Anemia. Identifiers: Orphanet 84, MedGen C3469521, MONDO:0009215, OMIM 227650.

Submission:

Leiden Open Variation Database
Classification: Pathogenic for Fanconi anemia complementation group A. Last evaluated: 2020-02-28. Review status: no assertion criteria provided. Collection method: curation. Allele origin: germline. Affected: yes.
Comment: Curator: Arleen D. Auerbach. Submitter to LOVD: Arleen D. Auerbach.

Literature cited by the submitters: PubMed 21273304.

NC_000016.10:g.(89758706_89761948)_(89765067_89767140)del

Gene: FANCA (FA complementation group A; minus strand). Cytogenetic location: 16q24.3.
Variant type: Deletion.
Identifiers: ClinVar variation 974243 (VCV000974243.1).